The following is an entry in ClinVar:

ClinVar aggregate classification (germline): Benign (0 of 4 stars; one submission).

Conditions:
DCHS2-related disorder. Also called: DCHS2-related condition.

Allele frequency attached by ClinVar (database versions not stated): ESP Exome Variant Server 0.68244; TOPMed 0.70618; gnomAD 0.71599; ExAC 0.76382; 1000 Genomes Project 30x 0.76936; 1000 Genomes Project 0.77656.
gnomAD v4.1: 1,131,467 of 1,537,138 alleles (74%); highest among the groups gnomAD compares: East Asian, 99%; 419,367 homozygotes.

Submission:

PreventionGenetics, part of Exact Sciences
Classification: Benign for DCHS2-related condition. Last evaluated: 2019-10-17. Review status: no assertion criteria provided. Collection method: clinical testing. Allele origin: germline.
Comment: This variant is classified as benign based on ACMG/AMP sequence variant interpretation guidelines (Richards et al. 2015 PMID: 25741868, with internal and published modifications).

NM_001358235.2(DCHS2):c.1443A>G (p.Leu481=)

Gene: DCHS2 (dachsous cadherin-related 2; minus strand). Cytogenetic location: 4q31.3.
Variant type: single nucleotide variant.
Coding change: c.1443A>G on transcript NM_001358235.2 (MANE Select); coding-DNA position 1443, A replaced by G.
Protein change: p.Leu481=; no amino-acid change (leucine 481 retained).
Molecular consequence: synonymous variant.
Genome position (GRCh38, 1-based): chr4:154,489,913, T>C on the plus strand (A>G on the coding strand, the complement: DCHS2 is on the minus strand). VCF-style: chr4-154489913-T-C. GRCh37 (hg19) VCF-style: chr4-155411065-T-C.
Other names: c.1443A>G, p.Leu481= (NM_001142552.2, NM_001412223.1).
Identifiers: ClinVar variation 3060155 (VCV003060155.2), dbSNP rs7656522, ClinGen allele CA3113822.
Genomic context (GRCh38, chr4:154,489,913, plus strand): 5'-GCTCTCTCTGTCCAGGGGCCCCTCCACGCAAAGGAAAAATACCCCTGGGGGGCCGCCGGG[T>C]AGCAACGCGAAGTCTCCCTCTCCGCCTTCCAAGGACAGAGAGATGCTCCCGTCTCCAAGA-3'
Protein context (NP_001345164.1, residues 471-491): LEGGEGDFAL[Leu481=]PGGPPGVFFL